The following is an entry in ClinVar:

ClinVar aggregate classification (germline): Uncertain significance. Review status: criteria provided, multiple submitters, no conflicts (2 of 4 stars). 3 submissions from 3 submitters: Uncertain significance (3). Last evaluated 2024-04-18.

Conditions:
Hennekam lymphangiectasia-lymphedema syndrome 2 (HKLLS2). Identifiers: Orphanet 2136, MedGen C4014939, MONDO:0014454, OMIM 616006.
Van Maldergem syndrome 2 (VMLDS2). Identifiers: Orphanet 314679, MedGen C3809875, MONDO:0014242, OMIM 615546.
Inborn genetic diseases. Identifiers: MedGen C0950123, MeSH D030342.

Allele frequency attached by ClinVar (database versions not stated): gnomAD exomes 0.00001; gnomAD 0.00002; TOPMed 0.00002.
gnomAD v4.1: 6 of 1,613,810 alleles (0.00037%); highest among the groups gnomAD compares: African/African-American, 0.008%; no homozygotes.

Submissions (3):

Fulgent Genetics
Classification: Uncertain significance for Van Maldergem syndrome 2; Hennekam lymphangiectasia-lymphedema syndrome 2. Last evaluated: 2024-04-18. Review status: criteria provided, single submitter. Criteria: ACMG Guidelines, 2015. Collection method: clinical testing. Allele origin: germline.

GeneDx
Classification: Uncertain significance. Last evaluated: 2024-02-14. Review status: criteria provided, single submitter. Criteria: GeneDx Variant Classification Process June 2021. Collection method: clinical testing. Allele origin: germline. Affected: yes.
Comment: Not observed at significant frequency in large population cohorts (gnomAD); In silico analysis supports that this missense variant does not alter protein structure/function; Has not been previously published as pathogenic or benign to our knowledge

Ambry Genetics
Classification: Uncertain significance for Inborn genetic diseases. Last evaluated: 2024-01-23. Review status: criteria provided, single submitter. Criteria: Ambry Variant Classification Scheme 2023. Collection method: clinical testing. Allele origin: germline.

NM_001291303.3(FAT4):c.8134G>A (p.Gly2712Ser)

Gene: FAT4 (FAT atypical cadherin 4; plus strand). Cytogenetic location: 4q28.1.
Variant type: single nucleotide variant.
Coding change: c.8134G>A on transcript NM_001291303.3 (MANE Select); coding-DNA position 8134, G replaced by A.
Protein change: p.Gly2712Ser; replaces glycine 2712 with serine.
Molecular consequence: missense variant.
Genome position (GRCh38, 1-based): chr4:125,449,144, G>A. VCF-style: chr4-125449144-G-A. GRCh37 (hg19) VCF-style: chr4-126370299-G-A.
Other names: c.8134G>A, p.Gly2712Ser (NM_001291285.3); c.8128G>A, p.Gly2710Ser (NM_024582.6); c.8128G>A (NM_024582.5); short protein forms G2710S, G2712S.
Identifiers: ClinVar variation 3093217 (VCV003093217.3), dbSNP rs1212001290, ClinGen allele CA358145187.